The following is an entry in ClinVar:

ClinVar aggregate classification (germline): Uncertain significance. Review status: criteria provided, multiple submitters, no conflicts (2 of 4 stars). 3 submissions from 3 submitters: Uncertain significance (3). Last evaluated 2023-03-02.

Conditions:
Familial cancer of breast. Also called: Hereditary breast cancer; BREAST CANCER, FAMILIAL; hereditary breast carcinoma. Identifiers: Orphanet 227535, MedGen C0346153, MONDO:0016419, OMIM 114480. Disease mechanism: loss of function.
Hereditary cancer-predisposing syndrome. Also called: Hereditary neoplastic syndrome; Tumor predisposition; Neoplastic Syndromes, Hereditary; Hereditary Cancer Syndrome. Identifiers: Orphanet 140162, MedGen C0027672, MeSH D009386, MONDO:0015356.

Submissions (3):

GeneDx
Classification: Uncertain significance. Last evaluated: 2023-03-02. Review status: criteria provided, single submitter. Criteria: GeneDx Variant Classification Process June 2021. Collection method: clinical testing. Allele origin: germline. Affected: yes.
Comment: Not observed at significant frequency in large population cohorts (gnomAD); In silico analysis supports that this missense variant has a deleterious effect on protein structure/function; Has not been previously published as pathogenic or benign to our knowledge; This variant is associated with the following publications: (PMID: 29785153, 22193777)

Labcorp Genetics (formerly Invitae), Labcorp
Classification: Uncertain significance for Familial cancer of breast. Last evaluated: 2020-09-11. Review status: criteria provided, single submitter. Criteria: Invitae Variant Classification Sherloc (09022015). Collection method: clinical testing. Allele origin: germline.
Comment: Algorithms developed to predict the effect of missense changes on protein structure and function (SIFT, PolyPhen-2, Align-GVGD) all suggest that this variant is likely to be disruptive, but these predictions have not been confirmed by published functional studies and their clinical significance is uncertain. This sequence change replaces tyrosine with histidine at codon 409 of the PALB2 protein (p.Tyr409His). The tyrosine residue is highly conserved and there is a moderate physicochemical difference between tyrosine and histidine. This variant is not present in population databases (ExAC no frequency). This variant has not been reported in the literature in individuals with PALB2-related conditions. ClinVar contains an entry for this variant (Variation ID: 418395). In summary, the available evidence is currently insufficient to determine the role of this variant in disease. Therefore, it has been classified as a Variant of Uncertain Significance.

Ambry Genetics
Classification: Uncertain significance for Hereditary cancer-predisposing syndrome. Last evaluated: 2018-06-15. Review status: criteria provided, single submitter. Criteria: Ambry Variant Classification Scheme 2023. Collection method: clinical testing. Allele origin: germline.
Comment: The p.Y409H variant (also known as c.1225T>C), located in coding exon 4 of the PALB2 gene, results from a T to C substitution at nucleotide position 1225. The tyrosine at codon 409 is replaced by histidine, an amino acid with similar properties. This amino acid position is highly conserved in available vertebrate species. In addition, this alteration is predicted to be tolerated by in silico analysis. Since supporting evidence is limited at this time, the clinical significance of this alteration remains unclear.

NM_024675.4(PALB2):c.1225T>C (p.Tyr409His)

Gene: PALB2 (partner and localizer of BRCA2; minus strand). Cytogenetic location: 16p12.2.
Variant type: single nucleotide variant.
Coding change: c.1225T>C on transcript NM_024675.4 (MANE Select); coding-DNA position 1225, T replaced by C.
Protein change: p.Tyr409His; replaces tyrosine 409 with histidine.
Molecular consequence: missense variant.
Genome position (GRCh38, 1-based): chr16:23,635,321, A>G on the plus strand (T>C on the coding strand, the complement: PALB2 is on the minus strand). VCF-style: chr16-23635321-A-G. GRCh37 (hg19) VCF-style: chr16-23646642-A-G.
Other names: short protein forms Y409H.
Identifiers: ClinVar variation 418395 (VCV000418395.16), dbSNP rs1064793222, ClinGen allele CA16620149.